The following is an entry in ClinVar:

NM_001267550.2(TTN):c.68136G>A (p.Met22712Ile)

Genes: TTN (titin; minus strand), TTN-AS1 (TTN antisense RNA 1; plus strand), LOC126806423 (CDK7 strongly-dependent group 2 enhancer GRCh37_chr2:179443309-179444508; plus strand). Cytogenetic location: 2q31.2.
Variant type: single nucleotide variant.
Coding change: c.68136G>A on transcript NM_001267550.2 (MANE Select); coding-DNA position 68136, G replaced by A.
Protein change: p.Met22712Ile; replaces methionine 22712 with isoleucine.
Molecular consequence: missense variant.
Genome position (GRCh38, 1-based): chr2:178,578,894, C>T on the plus strand (G>A on the coding strand, the complement: TTN is on the minus strand). VCF-style: chr2-178578894-C-T. GRCh37 (hg19) VCF-style: chr2-179443621-C-T.
Other names: c.63213G>A, p.Met21071Ile (NM_001256850.1); c.40941G>A, p.Met13647Ile (NM_003319.4); c.60432G>A, p.Met20144Ile (NM_133378.4); c.41316G>A, p.Met13772Ile (NM_133432.3); c.41517G>A, p.Met13839Ile (NM_133437.4); short protein forms M13647I, M20144I, M21071I, M13772I, M13839I, M22712I.
Identifiers: ClinVar variation 4977366 (VCV004977366.1).
Genomic context (GRCh38, chr2:178,578,894, plus strand): 5'-CGATTTCAGGCCTTCCCCTACACCATATTTATTTTCGGCACTGACCCTGAAGGTATATTC[C>T]ATGCCCTCATGAAGTCTGGTTACTCTAAAGGTGGTTTTCTGGACAGCTGAGGCGCACGTC-3'
Protein context (NP_001254479.2, residues 22702-22722): TFRVTRLHEG[Met22712Ile]EYTFRVSAEN

ClinVar aggregate classification (germline): Uncertain significance (1 of 4 stars; one submission).

Conditions:
TTN-related disorder. Also called: TTN-related condition; TTN-related disease; TTN-related disorders.

gnomAD v4.1: 7 of 1,613,190 alleles (0.00043%); highest among the groups gnomAD compares: African/African-American, 0.008%; no homozygotes.

Submission:

PreventionGenetics, part of Exact Sciences
Classification: Uncertain significance for TTN-related condition. Last evaluated: 2025-08-29. Review status: criteria provided, single submitter. Criteria: ACMG Guidelines, 2015. Collection method: clinical testing. Allele origin: germline.
Comment: The TTN c.68136G>A variant is predicted to result in the amino acid substitution p.Met22712Ile. To our knowledge, this variant has not been reported in the literature. This variant is reported in 0.013% of alleles in individuals of African descent in gnomAD. At this time, the clinical significance of this variant is uncertain due to the absence of conclusive functional and genetic evidence.